The following is an entry in ClinVar:

NM_130839.5(UBE3A):c.1812A>C (p.Glu604Asp)

Genes: SNHG14 (small nucleolar RNA host gene 14; plus strand), UBE3A (ubiquitin protein ligase E3A; minus strand). Cytogenetic location: 15q11.2.
Variant type: single nucleotide variant.
Coding change: c.1812A>C on transcript NM_130839.5 (MANE Select); coding-DNA position 1812, A replaced by C.
Protein change: p.Glu604Asp; replaces glutamic acid 604 with aspartic acid.
Molecular consequence: missense variant. On other transcripts: non-coding transcript variant (1).
Genome position (GRCh38, 1-based): chr15:25,356,838, T>G on the plus strand (A>C on the coding strand, the complement: UBE3A is on the minus strand). VCF-style: chr15-25356838-T-G. GRCh37 (hg19) VCF-style: chr15-25601985-T-G.
Other names: c.1821A>C, p.Glu607Asp (NM_000462.5); c.1812A>C, p.Glu604Asp (NM_001354505.1, NM_001354538.2, NM_001354545.2); c.1752A>C, p.Glu584Asp (NM_001354506.2, NM_001354507.2, NM_001354508.2 and 17 more transcripts); c.501A>C, p.Glu167Asp (NM_001354551.2); c.1635A>C, p.Glu545Asp (NM_001354546.2); c.561A>C, p.Glu187Asp (NM_001354550.2); short protein forms E167D, E187D, E545D, E584D, E604D, E607D.
Identifiers: ClinVar variation 3903244 (VCV003903244.1).

ClinVar aggregate classification (germline): Likely pathogenic (1 of 4 stars; one submission).

Submission:

GeneDx
Classification: Likely pathogenic. Last evaluated: 2024-12-12. Review status: criteria provided, single submitter. Criteria: GeneDx Variant Classification Process June 2021. Collection method: clinical testing. Allele origin: germline. Affected: yes.
Comment: Not observed at significant frequency in large population cohorts (gnomAD); In silico analysis supports that this missense variant has a deleterious effect on protein structure/function; Has not been previously published as pathogenic or benign to our knowledge; This variant is associated with the following publications: (PMID: 25212744)